The following is an entry in ClinVar:

ClinVar aggregate classification (germline): Likely benign. Review status: criteria provided, multiple submitters, no conflicts (2 of 4 stars). 2 submissions from 2 submitters: Likely benign (2). Last evaluated 2026-07-01.

Conditions:
Hepatic methionine adenosyltransferase deficiency. Also called: Methionine adenosyltransferase deficiency; MAT I/III DEFICIENCY; Deficiency of methionine adenosyltransferase; Isolated Persistent Hypermethioninemia. Identifiers: Orphanet 168598, MedGen C0268621, MeSH C564683, MONDO:0009607, OMIM 250850.

Allele frequency attached by ClinVar (database versions not stated): 1000 Genomes Project 30x 0.00062; gnomAD exomes 0.00005 and 0.00008; ExAC 0.00008; gnomAD 0.00009 and 0.00012; TOPMed 0.00009; ESP Exome Variant Server 0.00031; 1000 Genomes Project 0.00060.
gnomAD v4.1: 89 of 1,612,718 alleles (0.0055%); highest among the groups gnomAD compares: African/African-American, 0.029%; no homozygotes.

Submissions (2):

CeGaT Center for Human Genetics Tuebingen
Classification: Likely benign. Last evaluated: 2026-07-01. Review status: criteria provided, single submitter. Criteria: CeGaT Center For Human Genetics Tuebingen Variant Classification Criteria Version 2. Collection method: clinical testing. Allele origin: germline. Affected: yes. Observed: 1 variant allele.
Comment: MAT1A: BP4, BP7

Labcorp Genetics (formerly Invitae), Labcorp
Classification: Likely benign for Hepatic methionine adenosyltransferase deficiency. Last evaluated: 2025-04-22. Review status: criteria provided, single submitter. Criteria: Invitae Variant Classification Sherloc (09022015). Collection method: clinical testing. Allele origin: germline.

NM_000429.3(MAT1A):c.777G>A (p.Ala259=)

Gene: MAT1A (methionine adenosyltransferase 1A; minus strand). Cytogenetic location: 10q22.3.
Variant type: single nucleotide variant.
Coding change: c.777G>A on transcript NM_000429.3 (MANE Select); coding-DNA position 777, G replaced by A.
Protein change: p.Ala259=; no amino-acid change (alanine 259 retained).
Molecular consequence: synonymous variant.
Genome position (GRCh38, 1-based): chr10:80,275,191, C>T on the plus strand (G>A on the coding strand, the complement: MAT1A is on the minus strand). VCF-style: chr10-80275191-C-T. GRCh37 (hg19) VCF-style: chr10-82034947-C-T.
Identifiers: ClinVar variation 738644 (VCV000738644.9), dbSNP rs150664696, ClinGen allele CA5576700.